The following is an entry in ClinVar:

ClinVar aggregate classification (germline): Uncertain significance (1 of 4 stars; one submission).

Conditions:
Hereditary cancer-predisposing syndrome. Also called: Neoplastic Syndromes, Hereditary; Tumor predisposition; Hereditary neoplastic syndrome; Hereditary Cancer Syndrome. Identifiers: Orphanet 140162, MedGen C0027672, MeSH D009386, MONDO:0015356.

Submission:

Ambry Genetics
Classification: Uncertain significance for Hereditary cancer-predisposing syndrome. Last evaluated: 2026-07-06. Review status: criteria provided, single submitter. Criteria: Ambry Variant Classification Scheme 2023. Collection method: clinical testing. Allele origin: germline.
Comment: The p.A9T variant (also known as c.25G>A), located in coding exon 1 of the SUFU gene, results from a G to A substitution at nucleotide position 25. The alanine at codon 9 is replaced by threonine, an amino acid with similar properties. This amino acid position is conserved. In addition, this alteration is predicted to be tolerated by in silico analysis. Based on the available evidence, the clinical significance of this variant remains unclear.

NM_016169.4(SUFU):c.25G>A (p.Ala9Thr)

Genes: SUFU (SUFU negative regulator of hedgehog signaling; plus strand), LOC130004614 (ATAC-STARR-seq lymphoblastoid silent region 2764; plus strand). Cytogenetic location: 10q24.32.
Variant type: single nucleotide variant.
Coding change: c.25G>A on transcript NM_016169.4 (MANE Select); coding-DNA position 25, G replaced by A.
Protein change: p.Ala9Thr; replaces alanine 9 with threonine.
Molecular consequence: missense variant.
Genome position (GRCh38, 1-based): chr10:102,504,177, G>A. VCF-style: chr10-102504177-G-A. GRCh37 (hg19) VCF-style: chr10-104263934-G-A.
Other names: c.25G>A, p.Ala9Thr (NM_001178133.2); short protein forms A9T.
Identifiers: ClinVar variation 5030349 (VCV005030349.1).
Genomic context (GRCh38, chr10:102,504,177, plus strand): 5'-TCTCCAGTTCCCCCAGTGCCTGCCCTACGCACCCCGATGGCGGAGCTGCGGCCTAGCGGC[G>A]CCCCCGGCCCCACCGCGCCCCCGGCCCCTGGCCCGACTGCCCCCCCGGCCTTCGCTTCGC-3'
Protein context (NP_057253.2, residues 1-19): MAELRPSG[Ala9Thr]PGPTAPPAPG